The following is an entry in ClinVar:

NM_000548.5(TSC2):c.1138C>T (p.Leu380Phe)

Gene: TSC2 (TSC complex subunit 2; plus strand). Cytogenetic location: 16p13.3.
Variant type: single nucleotide variant.
Coding change: c.1138C>T on transcript NM_000548.5 (MANE Select); coding-DNA position 1138, C replaced by T.
Protein change: p.Leu380Phe; replaces leucine 380 with phenylalanine.
Molecular consequence: missense variant.
Genome position (GRCh38, 1-based): chr16:2,061,889, C>T. VCF-style: chr16-2061889-C-T. GRCh37 (hg19) VCF-style: chr16-2111890-C-T.
Other names: c.1138C>T, p.Leu380Phe (NM_001077183.3, NM_001114382.3, NM_001363528.2 and 3 more transcripts); c.1027C>T, p.Leu343Phe (NM_001318827.2); c.991C>T, p.Leu331Phe (NM_001318829.2); c.538C>T, p.Leu180Phe (NM_001318831.2); c.1171C>T, p.Leu391Phe (NM_001318832.2); c.1138C>T (NM_000548.3); short protein forms L331F, L343F, L180F, L391F, L380F.
Identifiers: ClinVar variation 1474641 (VCV001474641.7), dbSNP rs2151154287, ClinGen allele CA394319944.

ClinVar aggregate classification (germline): Uncertain significance. Review status: criteria provided, multiple submitters, no conflicts (2 of 4 stars). 2 submissions from 2 submitters: Uncertain significance (2). Last evaluated 2026-08-22.

Conditions:
Hereditary cancer-predisposing syndrome. Also called: Hereditary Cancer Syndrome; Tumor predisposition; Neoplastic Syndromes, Hereditary; Hereditary neoplastic syndrome. Identifiers: Orphanet 140162, MedGen C0027672, MeSH D009386, MONDO:0015356.
Tuberous sclerosis 2 (TSC2). Identifiers: Orphanet 805, MedGen C1860707, MONDO:0013199, OMIM 613254.

Submissions (2):

Ambry Genetics
Classification: Uncertain significance for Hereditary cancer-predisposing syndrome. Last evaluated: 2026-08-22. Review status: criteria provided, single submitter. Criteria: Ambry Variant Classification Scheme 2023. Collection method: clinical testing. Allele origin: germline.
Comment: The p.L380F variant (also known as c.1138C>T), located in coding exon 11 of the TSC2 gene, results from a C to T substitution at nucleotide position 1138. The leucine at codon 380 is replaced by phenylalanine, an amino acid with highly similar properties. This amino acid position is conserved. In addition, the in silico prediction for this alteration is inconclusive. Based on the available evidence, the clinical significance of this variant remains unclear.

Labcorp Genetics (formerly Invitae), Labcorp
Classification: Uncertain significance for Tuberous sclerosis 2. Last evaluated: 2022-03-14. Review status: criteria provided, single submitter. Criteria: Invitae Variant Classification Sherloc (09022015). Collection method: clinical testing. Allele origin: germline.
Comment: This variant is not present in population databases (gnomAD no frequency). In summary, the available evidence is currently insufficient to determine the role of this variant in disease. Therefore, it has been classified as a Variant of Uncertain Significance. Advanced modeling of protein sequence and biophysical properties (such as structural, functional, and spatial information, amino acid conservation, physicochemical variation, residue mobility, and thermodynamic stability) performed at Invitae indicates that this missense variant is not expected to disrupt TSC2 protein function. This variant has not been reported in the literature in individuals affected with TSC2-related conditions. This sequence change replaces leucine, which is neutral and non-polar, with phenylalanine, which is neutral and non-polar, at codon 380 of the TSC2 protein (p.Leu380Phe).